The following is an entry in ClinVar:

ClinVar aggregate classification (germline): Conflicting classifications of pathogenicity. Review status: criteria provided, conflicting classifications (1 of 4 stars). 4 submissions from 4 submitters: Uncertain significance (2); Likely benign (2). Last evaluated 2025-11-25.

Conditions:
Inborn genetic diseases. Identifiers: MedGen C0950123, MeSH D030342.
Intellectual developmental disorder, autosomal dominant 1. Also called: Intellectual disability, autosomal dominant 1; MBD5 Haploinsufficiency. Identifiers: Orphanet 228402, MedGen C1969562, MONDO:0007974, OMIM 156200.

Allele frequency attached by ClinVar (database versions not stated): ExAC 0.00002; gnomAD exomes 0.00002.
gnomAD v4.1: 12 of 1,614,128 alleles (0.00074%); highest among the groups gnomAD compares: Admixed American, 0.0017%; no homozygotes.

Submissions (4):

Ambry Genetics
Classification: Likely benign for Inborn genetic diseases. Last evaluated: 2025-11-25. Review status: criteria provided, single submitter. Criteria: Ambry Variant Classification Scheme 2023. Collection method: clinical testing. Allele origin: germline.

CeGaT Center for Human Genetics Tuebingen
Classification: Uncertain significance. Last evaluated: 2025-06-01. Review status: criteria provided, single submitter. Criteria: CeGaT Center For Human Genetics Tuebingen Variant Classification Criteria Version 2. Collection method: clinical testing. Allele origin: germline. Affected: yes. Observed: 2 variant alleles.

Labcorp Genetics (formerly Invitae), Labcorp
Classification: Uncertain significance for Intellectual developmental disorder, autosomal dominant 1. Last evaluated: 2025-03-31. Review status: criteria provided, single submitter. Criteria: Invitae Variant Classification Sherloc (09022015). Collection method: clinical testing. Allele origin: germline.
Comment: This sequence change replaces serine, which is neutral and polar, with proline, which is neutral and non-polar, at codon 1318 of the MBD5 protein (p.Ser1318Pro). This variant is present in population databases (rs776930883, gnomAD 0.01%). This variant has not been reported in the literature in individuals affected with MBD5-related conditions. ClinVar contains an entry for this variant (Variation ID: 2414599). Experimental studies and prediction algorithms are not available or were not evaluated, and the functional significance of this variant is currently unknown. In summary, the available evidence is currently insufficient to determine the role of this variant in disease. Therefore, it has been classified as a Variant of Uncertain Significance.

Blueprint Genetics
Classification: Likely benign. Last evaluated: 2024-06-06. Review status: criteria provided, single submitter. Criteria: ACMG Guidelines, 2015. Collection method: clinical testing. Allele origin: germline.

NM_001378120.1(MBD5):c.4651T>C (p.Ser1551Pro)

Gene: MBD5 (methyl-CpG binding domain protein 5; plus strand). Cytogenetic location: 2q23.1.
Variant type: single nucleotide variant.
Coding change: c.4651T>C on transcript NM_001378120.1 (MANE Select); coding-DNA position 4651, T replaced by C.
Protein change: p.Ser1551Pro; replaces serine 1551 with proline.
Molecular consequence: missense variant.
Genome position (GRCh38, 1-based): chr2:148,490,283, T>C. VCF-style: chr2-148490283-T-C. GRCh37 (hg19) VCF-style: chr2-149247852-T-C.
Other names: c.3952T>C, p.Ser1318Pro (NM_018328.5); c.3952T>C (NM_018328.4); short protein forms S1318P, S1551P.
Identifiers: ClinVar variation 2414599 (VCV002414599.29), dbSNP rs776930883, ClinGen allele CA1900453.
Genomic context (GRCh38, chr2:148,490,283, plus strand): 5'-AGTCGGGGATTTGGAGAGCTGCTAAGCACTGCAAAGCAAGACCTGGTCCTAGAGGAGCAG[T>C]CTCCAAGTTCCTCAAATAGTTTGGAAAATTCTCTGGTCAAAGACTACATCCATTACAATG-3'
Protein context (NP_001365049.1, residues 1541-1561): AKQDLVLEEQ[Ser1551Pro]PSSSNSLENS